The following is an entry in ClinVar:

NM_001042492.3(NF1):c.5453_5454del (p.Glu1818fs)

Gene: NF1 (neurofibromin 1; plus strand). Cytogenetic location: 17q11.2.
Variant type: Deletion.
Coding change: c.5453_5454del on transcript NM_001042492.3 (MANE Select); coding-DNA positions 5453 to 5454, 2 bases deleted (AA; older notation c.5453_5454delAA).
Protein change: p.Glu1818fs; shifts the reading frame from glutamic acid 1818.
Molecular consequence: frameshift variant.
Genome position (GRCh38, 1-based): chr17:31,327,683-31,327,684, AA deleted. VCF-style (leftmost placement, unchanged base first): chr17-31327682-GAA-G. GRCh37 (hg19) VCF-style: chr17-29654700-GAA-G.
Other names: c.5390_5391del, p.Glu1797fs (NM_000267.4); short protein forms E1797fs, E1818fs.
Identifiers: ClinVar variation 5025567 (VCV005025567.1).

ClinVar aggregate classification (germline): Pathogenic (1 of 4 stars; one submission).

Conditions:
Cardiovascular phenotype. Identifiers: MedGen CN230736.
Hereditary cancer-predisposing syndrome. Also called: Neoplastic Syndromes, Hereditary; Tumor predisposition; Hereditary neoplastic syndrome; Hereditary Cancer Syndrome. Identifiers: Orphanet 140162, MedGen C0027672, MeSH D009386, MONDO:0015356.

Submission:

Ambry Genetics
Classification: Pathogenic for Cardiovascular phenotype; Hereditary cancer-predisposing syndrome. Last evaluated: 2026-07-15. Review status: criteria provided, single submitter. Criteria: Ambry Variant Classification Scheme 2023. Collection method: clinical testing. Allele origin: germline.
Comment: The c.5390_5391delAA pathogenic mutation, located in coding exon 37 of the NF1 gene, results from a deletion of two nucleotides at nucleotide positions 5390 to 5391, causing a translational frameshift with a predicted alternate stop codon (p.E1797Gfs*43). This variant is considered to be rare based on population cohorts in the Genome Aggregation Database (gnomAD). This alteration is expected to result in loss of function by premature protein truncation or nonsense-mediated mRNA decay. As such, this alteration is interpreted as a disease-causing mutation.